The following is an entry in ClinVar:

ClinVar aggregate classification (germline): Uncertain significance. Review status: criteria provided, multiple submitters, no conflicts (2 of 4 stars). 2 submissions from 2 submitters: Uncertain significance (2). Last evaluated 2025-06-09.

Conditions:
Hereditary cancer-predisposing syndrome. Also called: Neoplastic Syndromes, Hereditary; Tumor predisposition; Hereditary Cancer Syndrome; Hereditary neoplastic syndrome. Identifiers: Orphanet 140162, MedGen C0027672, MeSH D009386, MONDO:0015356.

Allele frequency attached by ClinVar (database versions not stated): TOPMed below 0.00001; ExAC 0.00001; gnomAD exomes 0.00002.
gnomAD v4.1: 29 of 1,614,066 alleles (0.0018%); highest among the groups gnomAD compares: Non-Finnish European, 0.0025%; no homozygotes.

Submissions (2):

Labcorp Genetics (formerly Invitae), Labcorp
Classification: Uncertain significance for Hereditary cancer-predisposing syndrome. Last evaluated: 2025-06-09. Review status: criteria provided, single submitter. Criteria: Invitae Variant Classification Sherloc (09022015). Collection method: clinical testing. Allele origin: germline.
Comment: This sequence change replaces leucine, which is neutral and non-polar, with valine, which is neutral and non-polar, at codon 166 of the RAD50 protein (p.Leu166Val). This variant is present in population databases (rs769479891, gnomAD 0.004%). This variant has not been reported in the literature in individuals affected with RAD50-related conditions. ClinVar contains an entry for this variant (Variation ID: 187635). Invitae Evidence Modeling of protein sequence and biophysical properties (such as structural, functional, and spatial information, amino acid conservation, physicochemical variation, residue mobility, and thermodynamic stability) indicates that this missense variant is expected to disrupt RAD50 protein function with a positive predictive value of 80%. In summary, the available evidence is currently insufficient to determine the role of this variant in disease. Therefore, it has been classified as a Variant of Uncertain Significance.

Ambry Genetics
Classification: Uncertain significance for Hereditary cancer-predisposing syndrome. Last evaluated: 2024-04-04. Review status: criteria provided, single submitter. Criteria: Ambry Variant Classification Scheme 2023. Collection method: clinical testing. Allele origin: germline.
Comment: The p.L166V variant (also known as c.496T>G), located in coding exon 4 of the RAD50 gene, results from a T to G substitution at nucleotide position 496. The leucine at codon 166 is replaced by valine, an amino acid with highly similar properties. This amino acid position is highly conserved in available vertebrate species. In addition, the in silico prediction for this alteration is inconclusive. Since supporting evidence is limited at this time, the clinical significance of this alteration remains unclear.

NM_005732.4(RAD50):c.496T>G (p.Leu166Val)

Gene: RAD50 (RAD50 double strand break repair protein; plus strand). Cytogenetic location: 5q31.1.
Variant type: single nucleotide variant.
Coding change: c.496T>G on transcript NM_005732.4 (MANE Select); coding-DNA position 496, T replaced by G.
Protein change: p.Leu166Val; replaces leucine 166 with valine.
Molecular consequence: missense variant.
Genome position (GRCh38, 1-based): chr5:132,579,447, T>G. VCF-style: chr5-132579447-T-G. GRCh37 (hg19) VCF-style: chr5-131915139-T-G.
Other names: short protein forms L166V.
Identifiers: ClinVar variation 187635 (VCV000187635.18), dbSNP rs769479891, ClinGen allele CA198157.